The following is an entry in ClinVar:

ClinVar aggregate classification (germline): Pathogenic (1 of 4 stars; one submission).

Conditions:
Neuromuscular disease caused by qualitative or quantitative defects of dystrophin. Also called: Qualitative or quantitative defects of dystrophin. Identifiers: Orphanet 207085, MedGen C5679787, MONDO:0016147.

Submission:

Women's Health and Genetics/Laboratory Corporation of America, LabCorp
Classification: Pathogenic for Neuromuscular disease caused by qualitative or quantitative defects of dystrophin. Last evaluated: 2023-02-22. Review status: criteria provided, single submitter. Criteria: LabCorp Variant Classification Summary - May 2015. Collection method: clinical testing. Allele origin: germline.
Comment: Variant summary: The variant identified by MLPA or other technology involves the deletion of exons 52-54 in the DMD gene. A presumed nomenclature of c.(7542+1_7543-1)_(8027+1_8028-1)del has been designated for the purposes of this classification. Although exact breakpoints of this deletion are not known, it is expected to result in a frameshift deletion in the DMD gene, a known mechanism of disease. The variant was absent in 16120 control chromosomes in the gnomAD database (structural variants dataset). c.(7542+1_7543-1)_(8027+1_8028-1)del has been reported in the literature in several individuals affected with Duchenne Muscular Dystrophy (e.g. Carsana_2010, Flanigan_2009, Ling_2020). These data indicate that the variant is very likely to be associated with disease. A mouse model with the deletion of exons 52-54 resulted in the lack of dystrophin expression, with the development of progressive muscular dystrophy phenotype (Wong_2020). One submitter has provided a clinical-significance assessment for this variant to ClinVar after 2014, and classified the variant as pathogenic. Based on the evidence outlined above, the variant was classified as pathogenic.

Literature cited by the submitters: PubMed 19937601; PubMed 20036901; PubMed 31705731; PubMed 32988972.

NC_000023.10:g.(31645980_31676106)_(31747866_31792076)del

Gene: DMD (dystrophin; minus strand). Cytogenetic location: Xp21.1.
Variant type: Deletion.
Identifiers: ClinVar variation 2445944 (VCV002445944.1).